The following is an entry in ClinVar:

ClinVar aggregate classification (germline): Benign (1 of 4 stars; one submission).

Conditions:
Erythrokeratodermia variabilis et progressiva 1 (EKVP1). Also called: ERYTHROKERATODERMIA FIGURATA, CONGENITAL FAMILIAL, IN PLAQUES; ERYTHROKERATODERMIA VARIABILIS WITH ERYTHEMA GYRATUM REPENS; ERYTHROKERATODERMIA, PROGRESSIVE SYMMETRIC. Identifiers: Orphanet 317, MedGen C4551486, MONDO:0033010, OMIM 133200.

Allele frequency attached by ClinVar (database versions not stated): gnomAD 0.00010 and 0.00017; TOPMed 0.00010; 1000 Genomes Project 0.00040; 1000 Genomes Project 30x 0.00062; gnomAD exomes 0.00382.

Submission:

Illumina Laboratory Services, Illumina
Classification: Benign for Erythrokeratodermia variabilis et progressiva 1. Last evaluated: 2018-01-12. Review status: criteria provided, single submitter. Criteria: ICSL Variant Classification Criteria 13 December 2019. Collection method: clinical testing. Allele origin: germline.
Comment: This variant was observed in the ICSL laboratory as part of a predisposition screen in an ostensibly healthy population. It had not been previously curated by ICSL or reported in the Human Gene Mutation Database (HGMD: prior to June 1st, 2018), and was therefore a candidate for classification through an automated scoring system. Utilizing variant allele frequency, disease prevalence and penetrance estimates, and inheritance mode, an automated score was calculated to assess if this variant is too frequent to cause the disease. Based on the score and internal cut-off values, a variant classified as benign is not then subjected to further curation. The score for this variant resulted in a classification of benign for this disease.

NM_024009.3(GJB3):c.-40G>A

Gene: GJB3 (gap junction protein beta 3; plus strand). Cytogenetic location: 1p34.3.
Variant type: single nucleotide variant.
Coding change: c.-40G>A on transcript NM_024009.3 (MANE Select); 40 bases upstream of the start codon, G replaced by A.
Molecular consequence: 5 prime UTR variant.
Genome position (GRCh38, 1-based): chr1:34,781,764, G>A. VCF-style: chr1-34781764-G-A. GRCh37 (hg19) VCF-style: chr1-35247365-G-A.
Identifiers: ClinVar variation 875774 (VCV000875774.4), dbSNP rs559520550, ClinGen allele CA20568645.
Genomic context (GRCh38, chr1:34,781,764, plus strand): 5'-GCTCCGGCGCCCTCGCCTCTGCTGTGGGCCCCGGGGACGCGGGGTCAGGCCACCGCGTTG[G>A]CCAGGCCGCTGCAGGTAAGTGCTGGACGGGGCGGGGCGAGGCTGGGCGGGACCCTCAGGG-3'